The following is an entry in ClinVar:

ClinVar aggregate classification (germline): Uncertain significance (1 of 4 stars; one submission).

Allele frequency attached by ClinVar (database versions not stated): gnomAD 0.00001; TOPMed 0.00001; ExAC 0.00002.
gnomAD v4.1: 25 of 1,614,040 alleles (0.0015%); highest among the groups gnomAD compares: Non-Finnish European, 0.0019%; no homozygotes.

Submission:

Labcorp Genetics (formerly Invitae), Labcorp
Classification: Uncertain significance. Last evaluated: 2023-10-16. Review status: criteria provided, single submitter. Criteria: Invitae Variant Classification Sherloc (09022015). Collection method: clinical testing. Allele origin: germline.
Comment: This sequence change replaces isoleucine, which is neutral and non-polar, with valine, which is neutral and non-polar, at codon 275 of the SNIP1 protein (p.Ile275Val). This variant is present in population databases (rs778167341, gnomAD 0.01%). This variant has not been reported in the literature in individuals affected with SNIP1-related conditions. Advanced modeling of protein sequence and biophysical properties (such as structural, functional, and spatial information, amino acid conservation, physicochemical variation, residue mobility, and thermodynamic stability) performed at Invitae indicates that this missense variant is not expected to disrupt SNIP1 protein function. In summary, the available evidence is currently insufficient to determine the role of this variant in disease. Therefore, it has been classified as a Variant of Uncertain Significance.

NM_024700.4(SNIP1):c.823A>G (p.Ile275Val)

Genes: SNIP1 (Smad nuclear interacting protein 1; minus strand), LOC126805704 (BRD4-independent group 4 enhancer GRCh37_chr1:38005292-38006491; plus strand). Cytogenetic location: 1p34.3.
Variant type: single nucleotide variant.
Coding change: c.823A>G on transcript NM_024700.4 (MANE Select); coding-DNA position 823, A replaced by G.
Protein change: p.Ile275Val; replaces isoleucine 275 with valine.
Molecular consequence: missense variant.
Genome position (GRCh38, 1-based): chr1:37,540,260, T>C on the plus strand (A>G on the coding strand, the complement: SNIP1 is on the minus strand). VCF-style: chr1-37540260-T-C. GRCh37 (hg19) VCF-style: chr1-38005861-T-C.
Other names: short protein forms I275V.
Identifiers: ClinVar variation 2916236 (VCV002916236.3), dbSNP rs778167341, ClinGen allele CA771267.